The following is an entry in ClinVar:

ClinVar aggregate classification (germline): Benign/Likely benign. Review status: criteria provided, multiple submitters, no conflicts (2 of 4 stars). 5 submissions from 5 submitters: Benign (1); Likely benign (3). 1 of the submissions does not count toward it. Last evaluated 2026-07-01.

Conditions:
Gaze palsy, familial horizontal, with progressive scoliosis 1 (HGPPS1). Identifiers: Orphanet 2744, MedGen C4551964, MONDO:0020790, OMIM 607313.
ROBO3-related disorder. Also called: ROBO3-related condition.

Allele frequency attached by ClinVar (database versions not stated): 1000 Genomes Project 0.00100; 1000 Genomes Project 30x 0.00125; ESP Exome Variant Server 0.00367; TOPMed 0.00386; gnomAD 0.00416 and 0.00418; gnomAD exomes 0.00521 and 0.00771; ExAC 0.00840.
gnomAD v4.1: 10,602 of 1,458,576 alleles (0.73%); highest among the groups gnomAD compares: Non-Finnish European, 0.87%; 55 homozygotes.

Submissions (5):

CeGaT Center for Human Genetics Tuebingen
Classification: Likely benign. Last evaluated: 2026-07-01. Review status: criteria provided, single submitter. Criteria: CeGaT Center For Human Genetics Tuebingen Variant Classification Criteria Version 2. Collection method: clinical testing. Allele origin: germline. Affected: yes. Observed: 4 variant alleles.
Comment: ROBO3: BS2

Labcorp Genetics (formerly Invitae), Labcorp
Classification: Benign. Last evaluated: 2019-12-31. Review status: criteria provided, single submitter. Criteria: Invitae Variant Classification Sherloc (09022015). Collection method: clinical testing. Allele origin: germline.

Illumina Laboratory Services, Illumina
Classification: Likely benign for Gaze palsy, familial horizontal, with progressive scoliosis 1. Last evaluated: 2018-01-12. Review status: criteria provided, single submitter. Criteria: ICSL Variant Classification Criteria 13 December 2019. Collection method: clinical testing. Allele origin: germline.
Comment: This variant was observed in the ICSL laboratory as part of a predisposition screen in an ostensibly healthy population. It had not been previously curated by ICSL or reported in the Human Gene Mutation Database (HGMD: prior to June 1st, 2018), and was therefore a candidate for classification through an automated scoring system. Utilizing variant allele frequency, disease prevalence and penetrance estimates, and inheritance mode, an automated score was calculated to assess if this variant is too frequent to cause the disease. Based on the score and internal cut-off values, a variant classified as likely benign is not then subjected to further curation. The score for this variant resulted in a classification of likely benign for this disease.

Breakthrough Genomics
Classification: Likely benign. Review status: criteria provided, single submitter. Criteria: ACMG Guidelines, 2015. Collection method: not provided. Allele origin: germline. Inheritance: Autosomal recessive inheritance. Affected: yes.

PreventionGenetics, part of Exact Sciences
Classification: Benign for ROBO3-related condition. Last evaluated: 2019-07-31. Review status: no assertion criteria provided. Collection method: clinical testing. Allele origin: germline. Not counted in ClinVar's aggregate classification.
Comment: This variant is classified as benign based on ACMG/AMP sequence variant interpretation guidelines (Richards et al. 2015 PMID: 25741868, with internal and published modifications).

NM_022370.4(ROBO3):c.2621T>A (p.Leu874Gln)

Genes: ROBO3 (roundabout guidance receptor 3; plus strand), LOC130007006 (ATAC-STARR-seq lymphoblastoid silent region 4035; plus strand). Cytogenetic location: 11q24.2.
Variant type: single nucleotide variant.
Coding change: c.2621T>A on transcript NM_022370.4 (MANE Select); coding-DNA position 2621, T replaced by A.
Protein change: p.Leu874Gln; replaces leucine 874 with glutamine.
Molecular consequence: missense variant. On other transcripts: 5 prime UTR variant (1), non-coding transcript variant (1).
Genome position (GRCh38, 1-based): chr11:124,876,302, T>A. VCF-style: chr11-124876302-T-A. GRCh37 (hg19) VCF-style: chr11-124746198-T-A.
Other names: c.-233T>A (NM_001370356.1); short protein forms L874Q.
Identifiers: ClinVar variation 303256 (VCV000303256.35), dbSNP rs199932669, ClinGen allele CA6343861.